The following is an entry in ClinVar:

ClinVar aggregate classification (germline): Uncertain significance (1 of 4 stars; one submission).

Allele frequency attached by ClinVar (database versions not stated): gnomAD 0.00001; TOPMed 0.00001.
gnomAD v4.1: 2 of 1,613,666 alleles (0.00012%); highest among the groups gnomAD compares: African/African-American, 0.0027%; no homozygotes.

Submission:

Labcorp Genetics (formerly Invitae), Labcorp
Classification: Uncertain significance. Last evaluated: 2023-03-14. Review status: criteria provided, single submitter. Criteria: Invitae Variant Classification Sherloc (09022015). Collection method: clinical testing. Allele origin: germline.
Comment: This variant has not been reported in the literature in individuals affected with MPV17-related conditions. In summary, the available evidence is currently insufficient to determine the role of this variant in disease. Therefore, it has been classified as a Variant of Uncertain Significance. Advanced modeling of protein sequence and biophysical properties (such as structural, functional, and spatial information, amino acid conservation, physicochemical variation, residue mobility, and thermodynamic stability) performed at Invitae indicates that this missense variant is not expected to disrupt MPV17 protein function. This variant is not present in population databases (gnomAD no frequency). This sequence change replaces histidine, which is basic and polar, with tyrosine, which is neutral and polar, at codon 152 of the MPV17 protein (p.His152Tyr).

NM_002437.5(MPV17):c.454C>T (p.His152Tyr)

Gene: MPV17 (mitochondrial inner membrane protein MPV17; minus strand). Cytogenetic location: 2p23.3.
Variant type: single nucleotide variant.
Coding change: c.454C>T on transcript NM_002437.5 (MANE Select); coding-DNA position 454, C replaced by T.
Protein change: p.His152Tyr; replaces histidine 152 with tyrosine.
Molecular consequence: missense variant.
Genome position (GRCh38, 1-based): chr2:27,311,906, G>A on the plus strand (C>T on the coding strand, the complement: MPV17 is on the minus strand). VCF-style: chr2-27311906-G-A. GRCh37 (hg19) VCF-style: chr2-27534774-G-A.
Other names: short protein forms H152Y.
Identifiers: ClinVar variation 2955132 (VCV002955132.3), dbSNP rs1679455652, ClinGen allele CA346207073.